The following is an entry in ClinVar:

NM_015215.4(CAMTA1):c.549G>A (p.Pro183=)

Gene: CAMTA1 (calmodulin binding transcription activator 1; plus strand). Cytogenetic location: 1p36.23.
Variant type: single nucleotide variant.
Coding change: c.549G>A on transcript NM_015215.4 (MANE Select); coding-DNA position 549, G replaced by A.
Protein change: p.Pro183=; no amino-acid change (proline 183 retained).
Molecular consequence: synonymous variant.
Genome position (GRCh38, 1-based): chr1:7,640,438, G>A. VCF-style: chr1-7640438-G-A. GRCh37 (hg19) VCF-style: chr1-7700498-G-A.
Other names: p.Pro183=; c.459G>A, p.Pro153= (NM_001349608.2, NM_001349612.2); c.549G>A, p.Pro183= (NM_001349609.2, NM_001349610.2).
Identifiers: ClinVar variation 733677 (VCV000733677.34), dbSNP rs114268215, ClinGen allele CA566196.

ClinVar aggregate classification (germline): Benign/Likely benign. Review status: criteria provided, multiple submitters, no conflicts (2 of 4 stars). 4 submissions from 4 submitters: Benign (2); Likely benign (2). Last evaluated 2025-11-18.

Allele frequency attached by ClinVar (database versions not stated): gnomAD exomes 0.00076; ExAC 0.00096; gnomAD 0.00316 and 0.00337; TOPMed 0.00330; ESP Exome Variant Server 0.00338; 1000 Genomes Project 0.00399; 1000 Genomes Project 30x 0.00468.
gnomAD v4.1: 933 of 1,614,094 alleles (0.058%); highest among the groups gnomAD compares: African/African-American, 1.1%; 3 homozygotes.

Submissions (4):

Labcorp Genetics (formerly Invitae), Labcorp
Classification: Benign. Last evaluated: 2025-11-18. Review status: criteria provided, single submitter. Criteria: Invitae Variant Classification Sherloc (09022015). Collection method: clinical testing. Allele origin: germline.

CeGaT Center for Human Genetics Tuebingen
Classification: Likely benign. Last evaluated: 2025-10-01. Review status: criteria provided, single submitter. Criteria: CeGaT Center For Human Genetics Tuebingen Variant Classification Criteria Version 2. Collection method: clinical testing. Allele origin: germline. Affected: yes. Observed: 2 variant alleles.
Comment: CAMTA1: BP4, BP7, BS1

Blueprint Genetics
Classification: Likely benign. Last evaluated: 2024-10-18. Review status: criteria provided, single submitter. Criteria: ACMG Guidelines, 2015. Collection method: clinical testing. Allele origin: germline.

Mayo Clinic Laboratories, Mayo Clinic
Classification: Benign. Last evaluated: 2024-08-20. Review status: criteria provided, single submitter. Criteria: ACMG Guidelines, 2015. Collection method: clinical testing. Allele origin: germline. Observed: 2 variant alleles.
Comment: BA1, BS2, BP4, BP7